The following is an entry in ClinVar:

ClinVar aggregate classification (germline): Pathogenic (1 of 4 stars; one submission).

Submission:

Labcorp Genetics (formerly Invitae), Labcorp
Classification: Pathogenic. Last evaluated: 2023-11-14. Review status: criteria provided, single submitter. Criteria: Invitae Variant Classification Sherloc (09022015). Collection method: clinical testing. Allele origin: germline.
Comment: This sequence change creates a premature translational stop signal (p.Asn156Ilefs*22) in the SI gene. It is expected to result in an absent or disrupted protein product. Loss-of-function variants in SI are known to be pathogenic (PMID: 16329100, 23103650, 25452324). This variant is not present in population databases (gnomAD no frequency). This variant has not been reported in the literature in individuals affected with SI-related conditions. For these reasons, this variant has been classified as Pathogenic.

Literature cited by the submitters: PubMed 16329100; PubMed 23103650; PubMed 25452324.

NM_001041.4(SI):c.465del (p.Asn156fs)

Gene: SI (sucrase-isomaltase; minus strand). Cytogenetic location: 3q26.1.
Variant type: Deletion.
Coding change: c.465del on transcript NM_001041.4 (MANE Select); coding-DNA position 465, one base deleted (C; older notation c.465delC).
Protein change: p.Asn156fs; shifts the reading frame from asparagine 156.
Molecular consequence: frameshift variant.
Genome position (GRCh38, 1-based): chr3:165,068,740, G deleted on the plus strand (C on the coding strand, the reverse complement: SI is on the minus strand); the first of 3 consecutive G bases (chr3:165,068,740-165,068,742); deleting any one gives the same sequence. VCF-style (leftmost placement, unchanged base first): chr3-165068739-TG-T. GRCh37 (hg19) VCF-style: chr3-164786527-TG-T.
Other names: short protein forms N156fs.
Identifiers: ClinVar variation 2695960 (VCV002695960.3), dbSNP rs2473436419, ClinGen allele CA2668425432.